The following is an entry in ClinVar:

ClinVar aggregate classification (germline): Likely benign (1 of 4 stars; one submission).

Conditions:
Nemaline myopathy 6 (NEM6). Also called: Nemaline myopathy 6, autosomal dominant. Identifiers: Orphanet 171439, MedGen C1836472, MONDO:0012237, OMIM 609273.

gnomAD v4.1: 5 of 1,587,698 alleles (0.00031%); highest among the groups gnomAD compares: South Asian, 0.0034%; no homozygotes.

Submission:

Centre for Medical Genetics,  Mumbai
Classification: Likely benign for Nemaline myopathy 6. Last evaluated: 2026-03-10. Review status: criteria provided, single submitter. Criteria: ACMG Guidelines, 2015. Collection method: provider interpretation. Allele origin: germline. Inheritance: Autosomal dominant inheritance. Affected: no. Observed: 1 variant allele, 1 heterozygote.
Comment: The variant satisfies PM2 criteria; Extremely low frequency in gnomAD population databases. However, the variant satisfies BS2 criteria.

Literature cited by the submitters: PubMed 11731279.

NM_001101362.3(KBTBD13):c.969C>G (p.Tyr323Ter)

Gene: KBTBD13 (kelch repeat and BTB domain containing 13; plus strand). Cytogenetic location: 15q22.31.
Variant type: single nucleotide variant.
Coding change: c.969C>G on transcript NM_001101362.3 (MANE Select); coding-DNA position 969, C replaced by G.
Protein change: p.Tyr323Ter; replaces tyrosine 323 with a stop codon.
Molecular consequence: nonsense.
Genome position (GRCh38, 1-based): chr15:65,077,784, C>G. VCF-style: chr15-65077784-C-G. GRCh37 (hg19) VCF-style: chr15-65370122-C-G.
Other names: short protein forms Y323*.
Identifiers: ClinVar variation 4819972 (VCV004819972.1).